The following is an entry in ClinVar:

ClinVar aggregate classification (germline): Uncertain significance (1 of 4 stars; one submission).

Conditions:
Hereditary cancer-predisposing syndrome. Also called: Neoplastic Syndromes, Hereditary; Tumor predisposition; Hereditary Cancer Syndrome; Hereditary neoplastic syndrome. Identifiers: Orphanet 140162, MedGen C0027672, MeSH D009386, MONDO:0015356.

Submission:

Ambry Genetics
Classification: Uncertain significance for Hereditary cancer-predisposing syndrome. Last evaluated: 2026-06-09. Review status: criteria provided, single submitter. Criteria: Ambry Variant Classification Scheme 2023. Collection method: clinical testing. Allele origin: germline.
Comment: The c.594_596delTTCinsCTT variant (also known as p.S199F), located in coding exon 4 of the BARD1 gene, results from an in-frame deletion of TTC and insertion of CTT at nucleotide positions 594 to 596. This results in the substitution of the serine residue for a phenylalanine residue at codon 199, an amino acid with highly dissimilar properties. This amino acid position is not well conserved in available vertebrate species. In addition, this alteration is predicted to be tolerated by in silico analysis. Based on the available evidence, the clinical significance of this variant remains unclear.

NM_000465.4(BARD1):c.594_596delinsCTT (p.Ser199Phe)

Gene: BARD1 (BRCA1 associated RING domain 1; minus strand). Cytogenetic location: 2q35.
Variant type: Indel.
Coding change: c.594_596delinsCTT on transcript NM_000465.4 (MANE Select); coding-DNA positions 594 to 596, TTC replaced by CTT.
Protein change: p.Ser199Phe; replaces serine 199 with phenylalanine.
Molecular consequence: missense variant. On other transcripts: non-coding transcript variant (2), intron variant (3).
Genome position (GRCh38, 1-based): chr2:214,781,278-214,781,280, GAA replaced by AAG on the plus strand (TTC replaced by CTT on the coding strand, the reverse complement: BARD1 is on the minus strand). VCF-style: chr2-214781278-GAA-AAG. GRCh37 (hg19) VCF-style: chr2-215646002-GAA-AAG.
Other names: c.537_539delinsCTT, p.Ser180Phe (NM_001282543.2); c.158+28132_158+28134delinsCTT (NM_001282548.2); c.215+15781_215+15783delinsCTT (NM_001282545.2); c.364+11017_364+11019delinsCTT (NM_001282549.2); short protein forms S180F, S199F.
Identifiers: ClinVar variation 4867408 (VCV004867408.1).
Genomic context (GRCh38, chr2:214,781,278, plus strand): 5'-TTCCATTTTTGGTTGATTTCAGCTAAAGTTTTCTTTTTTTGCTTTTTTCCAGATCTTGCA[GAA>AAG]GCCTTTTTAGCCCTCTCAGAAACATCTGCAGGAGGACTTGGGGAAACAAATTCATATGAG-3'
Protein context (NP_000456.2, residues 189-209): ADVSERAKKA[Ser199Phe]ARSGKKQKKK